The following is an entry in ClinVar:

NM_001323289.2(CDKL5):c.2673_2682del (p.Gln891fs)

Gene: CDKL5 (cyclin dependent kinase like 5; plus strand). Cytogenetic location: Xp22.13.
Variant type: Deletion.
Coding change: c.2673_2682del on transcript NM_001323289.2 (MANE Select); coding-DNA positions 2673 to 2682, 10 bases deleted (GGAACCCGCA; older notation c.2673_2682delGGAACCCGCA).
Protein change: p.Gln891fs; shifts the reading frame from glutamine 891.
Molecular consequence: frameshift variant.
Genome position (GRCh38, 1-based): chrX:18,628,547-18,628,556, GGAACCCGCA deleted; deleting any 10 consecutive bases within chrX:18,628,544-18,628,556 gives the same sequence; the c. name uses the placement nearest the transcript's 3' end. VCF-style (leftmost placement, unchanged base first): chrX-18628543-GGCAGGAACCC-G. GRCh37 (hg19) VCF-style: chrX-18646663-GGCAGGAACCC-G.
Other names: NM_001323289.2(CDKL5):c.2673_2682del; c.2673_2682delGGAACCCGCA (NM_003159.2); c.2673_2682del, p.Gln891fs (NM_001037343.2, NM_003159.3); short protein forms Q891fs.
Identifiers: ClinVar variation 870168 (VCV000870168.1), dbSNP rs1927142990, ClinGen allele CA916083849.

ClinVar aggregate classification (germline): Pathogenic. Review status: criteria provided, multiple submitters, no conflicts (2 of 4 stars). 2 submissions from 2 submitters: Pathogenic (2). Last evaluated 2024-12-20.

Conditions:
Developmental and epileptic encephalopathy, 2 (DEE2). Also called: INFANTILE SPASM SYNDROME, X-LINKED 2; CDKL5 deficiency disorder. Identifiers: Orphanet 1934, Orphanet 3451, Orphanet 505652, MedGen C4750718, MONDO:0010396, OMIM 300672.
CDKL5 disorder. Identifiers: MedGen CN296942, MONDO:0100039.

Submissions (2):

Centre for Population Genomics, CPG
Classification: Pathogenic for CDKL5 disorder. Last evaluated: 2024-12-20. Review status: criteria provided, single submitter. Criteria: McKnight et al. (Hum Mutat. 2022). Collection method: curation. Allele origin: germline. Inheritance: X-linked inheritance.
Comment: This variant has been collected from RettBASE and curated to current modified ACMG/AMP criteria. Based on the classification scheme defined by the ClinGen Rett/Angelman-like Expert Panel for Rett/AS-like Disorders Specifications to the ACMG/AMP Variant Interpretation Guidelines VCEP 3.0, this variant is classified as pathogenic. At least the following criteria are met: Predicted to result in loss of function, and LOF is a known mechanism of disease (PVS1). This variant has been identified as a de novo occurrence in an individual with CDKL5 disorder without confirmation of paternity and maternity (PM6, PMID: 37193389). This variant is absent from gnomAD (PM2_Supporting).

Laboratory of Inherited Metabolic Diseases, Research centre for medical genetics
Classification: Pathogenic for Developmental and epileptic encephalopathy, 2. Last evaluated: 2020-02-14. Review status: criteria provided, single submitter. Criteria: ACMG Guidelines, 2015. Collection method: clinical testing. Allele origin: unknown. Inheritance: X-linked inheritance. Affected: yes.